The following is an entry in ClinVar:

ClinVar aggregate classification (germline): Benign (0 of 4 stars; one submission).

Conditions:
DCC-related disorder. Also called: DCC-related condition.

Allele frequency attached by ClinVar (database versions not stated): gnomAD 0.00031; TOPMed 0.00045; ExAC 0.00059; 1000 Genomes Project 30x 0.00172; 1000 Genomes Project 0.00200.
gnomAD v4.1: 388 of 1,614,108 alleles (0.024%); highest among the groups gnomAD compares: East Asian, 0.72%; 2 homozygotes.

Submission:

PreventionGenetics, part of Exact Sciences
Classification: Benign for DCC-related condition. Last evaluated: 2019-07-30. Review status: no assertion criteria provided. Collection method: clinical testing. Allele origin: germline.
Comment: This variant is classified as benign based on ACMG/AMP sequence variant interpretation guidelines (Richards et al. 2015 PMID: 25741868, with internal and published modifications).

NM_005215.4(DCC):c.1380A>C (p.Gln460His)

Gene: DCC (DCC netrin 1 receptor; plus strand). Cytogenetic location: 18q21.2.
Variant type: single nucleotide variant.
Coding change: c.1380A>C on transcript NM_005215.4 (MANE Select); coding-DNA position 1380, A replaced by C.
Protein change: p.Gln460His; replaces glutamine 460 with histidine.
Molecular consequence: missense variant.
Genome position (GRCh38, 1-based): chr18:53,157,474, A>C. VCF-style: chr18-53157474-A-C. GRCh37 (hg19) VCF-style: chr18-50683844-A-C.
Other names: short protein forms Q460H.
Identifiers: ClinVar variation 3033426 (VCV003033426.2), dbSNP rs199848449, ClinGen allele CA8966835.